The following is an entry in ClinVar:

NM_000097.7(CPOX):c.716G>A (p.Cys239Tyr)

Gene: CPOX (coproporphyrinogen oxidase; minus strand). Cytogenetic location: 3q11.2.
Variant type: single nucleotide variant.
Coding change: c.716G>A on transcript NM_000097.7 (MANE Select); coding-DNA position 716, G replaced by A.
Protein change: p.Cys239Tyr; replaces cysteine 239 with tyrosine.
Molecular consequence: missense variant.
Genome position (GRCh38, 1-based): chr3:98,590,727, C>T on the plus strand (G>A on the coding strand, the complement: CPOX is on the minus strand). VCF-style: chr3-98590727-C-T. GRCh37 (hg19) VCF-style: chr3-98309571-C-T.
Other names: short protein forms C239Y.
Identifiers: ClinVar variation 746450 (VCV000746450.11), dbSNP rs147537350, ClinGen allele CA2511627.

ClinVar aggregate classification (germline): Benign. Review status: criteria provided, multiple submitters, no conflicts (2 of 4 stars). 3 submissions from 3 submitters: Benign (3). Last evaluated 2025-09-25.

Conditions:
CPOX-related disorder. Also called: CPOX-related condition; CPOX-related disorders.

Allele frequency attached by ClinVar (database versions not stated): gnomAD exomes 0.00021 and 0.00058; ExAC 0.00076; gnomAD 0.00200 and 0.00218; 1000 Genomes Project 0.00240; ESP Exome Variant Server 0.00246; TOPMed 0.00247; 1000 Genomes Project 30x 0.00250.

Submissions (3):

Labcorp Genetics (formerly Invitae), Labcorp
Classification: Benign. Last evaluated: 2025-09-25. Review status: criteria provided, single submitter. Criteria: Invitae Variant Classification Sherloc (09022015). Collection method: clinical testing. Allele origin: germline.

PreventionGenetics, part of Exact Sciences
Classification: Benign for CPOX-related condition. Last evaluated: 2025-03-10. Review status: criteria provided, single submitter. Criteria: ACMG Guidelines, 2015. Collection method: clinical testing. Allele origin: germline.
Comment: This variant is classified as benign based on ACMG/AMP sequence variant interpretation guidelines (Richards et al. 2015 PMID: 25741868, with internal and published modifications).

Breakthrough Genomics
Classification: Benign. Review status: criteria provided, single submitter. Criteria: ACMG Guidelines, 2015. Collection method: not provided. Allele origin: germline. Inheritance: Autosomal recessive inheritance. Affected: yes.